The following is an entry in ClinVar:

NM_002880.4(RAF1):c.228G>A (p.Met76Ile)

Gene: RAF1 (Raf-1 proto-oncogene, serine/threonine kinase; minus strand). Cytogenetic location: 3p25.2.
Variant type: single nucleotide variant.
Coding change: c.228G>A on transcript NM_002880.4 (MANE Select); coding-DNA position 228, G replaced by A.
Protein change: p.Met76Ile; replaces methionine 76 with isoleucine.
Molecular consequence: missense variant. On other transcripts: non-coding transcript variant (3), intron variant (4).
Genome position (GRCh38, 1-based): chr3:12,612,042, C>T on the plus strand (G>A on the coding strand, the complement: RAF1 is on the minus strand). VCF-style: chr3-12612042-C-T. GRCh37 (hg19) VCF-style: chr3-12653541-C-T.
Other names: c.228G>A, p.Met76Ile (NM_001354689.3, NM_001354690.3, NM_001354693.3); c.78-2707G>A (NM_001354695.3, NM_001354692.3, NM_001354694.3 and 1 more transcripts); short protein forms M76I.
Identifiers: ClinVar variation 1346347 (VCV001346347.6), dbSNP rs2125431347, ClinGen allele CA351521182.

ClinVar aggregate classification (germline): Uncertain significance (1 of 4 stars; one submission).

Conditions:
RASopathy. Also called: rasopathies; Noonan spectrum disorder. Identifiers: Orphanet 536391, MedGen C5555857, MONDO:0021060.

Submission:

Labcorp Genetics (formerly Invitae), Labcorp
Classification: Uncertain significance for RASopathy. Last evaluated: 2021-08-15. Review status: criteria provided, single submitter. Criteria: Invitae Variant Classification Sherloc (09022015). Collection method: clinical testing. Allele origin: germline.
Comment: In summary, the available evidence is currently insufficient to determine the role of this variant in disease. Therefore, it has been classified as a Variant of Uncertain Significance. Advanced modeling of protein sequence and biophysical properties (such as structural, functional, and spatial information, amino acid conservation, physicochemical variation, residue mobility, and thermodynamic stability) performed at Invitae indicates that this missense variant is expected to disrupt RAF1 protein function. This variant has not been reported in the literature in individuals affected with RAF1-related conditions. This variant is not present in population databases (ExAC no frequency). This sequence change replaces methionine with isoleucine at codon 76 of the RAF1 protein (p.Met76Ile). The methionine residue is highly conserved and there is a small physicochemical difference between methionine and isoleucine.